The following is an entry in ClinVar:

ClinVar aggregate classification (germline): Uncertain significance (1 of 4 stars; one submission).

Submission:

Labcorp Genetics (formerly Invitae), Labcorp
Classification: Uncertain significance. Last evaluated: 2021-09-21. Review status: criteria provided, single submitter. Criteria: Invitae Variant Classification Sherloc (09022015). Collection method: clinical testing. Allele origin: germline.
Comment: In summary, the available evidence is currently insufficient to determine the role of this variant in disease. Therefore, it has been classified as a Variant of Uncertain Significance. Algorithms developed to predict the effect of sequence changes on RNA splicing suggest that this variant may create or strengthen a splice site. This variant has not been reported in the literature in individuals affected with PCNT-related conditions. The frequency data for this variant in the population databases is considered unreliable, as metrics indicate poor data quality at this position in the ExAC database. This sequence change falls in intron 11 of the PCNT gene. It does not directly change the encoded amino acid sequence of the PCNT protein.

NM_006031.6(PCNT):c.1762-14_1762-13insTAGT

Gene: PCNT (pericentrin; plus strand). Cytogenetic location: 21q22.3.
Variant type: Insertion.
Coding change: c.1762-14_1762-13insTAGT on transcript NM_006031.6 (MANE Select); 14 bases into the intron before coding-DNA position 1762 through 13 bases into the intron before coding-DNA position 1762, TAGT inserted.
Molecular consequence: intron variant.
Genome position: GRCh38 VCF-style: chr21-46355436-C-CGTTA. GRCh37 (hg19) VCF-style: chr21-47775351-C-CGTTA.
Other names: c.1408-14_1408-13insTAGT (NM_001315529.2).
Identifiers: ClinVar variation 1518823 (VCV001518823.4), dbSNP rs771981795, ClinGen allele CA10078759.